The following is an entry in ClinVar:

NM_080911.3(UNG):c.*1013T>A

Gene: UNG (uracil DNA glycosylase; plus strand). Cytogenetic location: 12q24.11.
Variant type: single nucleotide variant.
Coding change: c.*1013T>A on transcript NM_080911.3 (MANE Select); 1013 bases downstream of the stop codon, T replaced by A.
Molecular consequence: 3 prime UTR variant.
Genome position (GRCh38, 1-based): chr12:109,110,982, T>A. VCF-style: chr12-109110982-T-A. GRCh37 (hg19) VCF-style: chr12-109548787-T-A.
Other names: c.*1013T>A (NM_003362.4).
Identifiers: ClinVar variation 306998 (VCV000306998.5), dbSNP rs3219275, ClinGen allele CA10640770.

ClinVar aggregate classification (germline): Benign (1 of 4 stars; one submission).

Conditions:
Hyper-IgM syndrome type 5 (HIGM5). Also called: Hyper-IgM Immunodeficiency Syndrome, Type 5. Identifiers: Orphanet 101092, MedGen C1720958, MONDO:0011971, OMIM 608106.

Allele frequency attached by ClinVar (database versions not stated): gnomAD 0.01781; 1000 Genomes Project 0.01837; TOPMed 0.01962.

Submission:

Illumina Laboratory Services, Illumina
Classification: Benign for Hyper-IgM syndrome type 5. Last evaluated: 2018-01-13. Review status: criteria provided, single submitter. Criteria: ICSL Variant Classification Criteria 13 December 2019. Collection method: clinical testing. Allele origin: germline.
Comment: This variant was observed in the ICSL laboratory as part of a predisposition screen in an ostensibly healthy population. It had not been previously curated by ICSL or reported in the Human Gene Mutation Database (HGMD: prior to June 1st, 2018), and was therefore a candidate for classification through an automated scoring system. Utilizing variant allele frequency, disease prevalence and penetrance estimates, and inheritance mode, an automated score was calculated to assess if this variant is too frequent to cause the disease. Based on the score and internal cut-off values, a variant classified as benign is not then subjected to further curation. The score for this variant resulted in a classification of benign for this disease.